The following is an entry in ClinVar:

ClinVar aggregate classification (germline): Uncertain significance (1 of 4 stars; one submission).

Allele frequency attached by ClinVar (database versions not stated): gnomAD exomes below 0.00001.
gnomAD v4.1: 1 of 1,608,834 alleles (0.000062%); highest among the groups gnomAD compares: Middle Eastern, 0.017%; no homozygotes.

Submission:

Labcorp Genetics (formerly Invitae), Labcorp
Classification: Uncertain significance. Last evaluated: 2022-07-26. Review status: criteria provided, single submitter. Criteria: Invitae Variant Classification Sherloc (09022015). Collection method: clinical testing. Allele origin: germline.
Comment: This sequence change replaces glutamic acid, which is acidic and polar, with glycine, which is neutral and non-polar, at codon 1766 of the CPLANE1 protein (p.Glu1766Gly). This variant is present in population databases (no rsID available, gnomAD 0.0009%). This variant has not been reported in the literature in individuals affected with CPLANE1-related conditions. Advanced modeling of protein sequence and biophysical properties (such as structural, functional, and spatial information, amino acid conservation, physicochemical variation, residue mobility, and thermodynamic stability) performed at Invitae indicates that this missense variant is not expected to disrupt CPLANE1 protein function. In summary, the available evidence is currently insufficient to determine the role of this variant in disease. Therefore, it has been classified as a Variant of Uncertain Significance.

NM_001384732.1(CPLANE1):c.5297A>G (p.Glu1766Gly)

Gene: CPLANE1 (ciliogenesis and planar polarity effector complex subunit 1; minus strand). Cytogenetic location: 5p13.2.
Variant type: single nucleotide variant.
Coding change: c.5297A>G on transcript NM_001384732.1 (MANE Select); coding-DNA position 5297, A replaced by G.
Protein change: p.Glu1766Gly; replaces glutamic acid 1766 with glycine.
Molecular consequence: missense variant.
Genome position (GRCh38, 1-based): chr5:37,182,884, T>C on the plus strand (A>G on the coding strand, the complement: CPLANE1 is on the minus strand). VCF-style: chr5-37182884-T-C. GRCh37 (hg19) VCF-style: chr5-37182986-T-C.
Other names: c.5297A>G, p.Glu1766Gly (NM_023073.4); short protein forms E1766G.
Identifiers: ClinVar variation 2023835 (VCV002023835.4), dbSNP rs1432514420, ClinGen allele CA359491740.